The following is an entry in ClinVar:

NM_183381.3(RNF13):c.1067A>G (p.Asn356Ser)

Gene: RNF13 (ring finger protein 13; plus strand). Cytogenetic location: 3q25.1.
Variant type: single nucleotide variant.
Coding change: c.1067A>G on transcript NM_183381.3 (MANE Select); coding-DNA position 1067, A replaced by G.
Protein change: p.Asn356Ser; replaces asparagine 356 with serine.
Molecular consequence: missense variant. On other transcripts: non-coding transcript variant (1).
Genome position (GRCh38, 1-based): chr3:149,961,025, A>G. VCF-style: chr3-149961025-A-G. GRCh37 (hg19) VCF-style: chr3-149678812-A-G.
Other names: c.1067A>G, p.Asn356Ser (NM_001378285.1, NM_001378286.1, NM_007282.4); c.710A>G, p.Asn237Ser (NM_001378287.1, NM_001378288.1, NM_001378289.1 and 2 more transcripts); c.674A>G, p.Asn225Ser (NM_001378291.1); short protein forms N225S, N356S, N237S.
Identifiers: ClinVar variation 4753425 (VCV004753425.1).

ClinVar aggregate classification (germline): Uncertain significance (1 of 4 stars; one submission).

gnomAD v4.1: 2 of 1,614,208 alleles (0.00012%); highest among the groups gnomAD compares: African/African-American, 0.0013%; no homozygotes.

Submission:

Labcorp Genetics (formerly Invitae), Labcorp
Classification: Uncertain significance. Last evaluated: 2025-05-30. Review status: criteria provided, single submitter. Criteria: Invitae Variant Classification Sherloc (09022015). Collection method: clinical testing. Allele origin: germline.
Comment: This sequence change replaces asparagine, which is neutral and polar, with serine, which is neutral and polar, at codon 356 of the RNF13 protein (p.Asn356Ser). This variant is not present in population databases (gnomAD no frequency). This variant has not been reported in the literature in individuals affected with RNF13-related conditions. An algorithm developed to predict the effect of missense changes on protein structure and function (PolyPhen-2) suggests that this variant is likely to be tolerated. In summary, the available evidence is currently insufficient to determine the role of this variant in disease. Therefore, it has been classified as a Variant of Uncertain Significance.